The following is an entry in ClinVar:

ClinVar aggregate classification (germline): Uncertain significance (1 of 4 stars; one submission).

Allele frequency attached by ClinVar (database versions not stated): TOPMed 0.00002; gnomAD 0.00005; ExAC 0.00004; gnomAD exomes 0.00005.
gnomAD v4.1: 82 of 1,613,240 alleles (0.0051%); highest among the groups gnomAD compares: Non-Finnish European, 0.004%; no homozygotes.

Submission:

Labcorp Genetics (formerly Invitae), Labcorp
Classification: Uncertain significance. Last evaluated: 2025-02-10. Review status: criteria provided, single submitter. Criteria: Invitae Variant Classification Sherloc (09022015). Collection method: clinical testing. Allele origin: germline.
Comment: This sequence change replaces aspartic acid, which is acidic and polar, with histidine, which is basic and polar, at codon 1096 of the MYH7B protein (p.Asp1096His). This variant is present in population databases (rs767204775, gnomAD 0.06%), and has an allele count higher than expected for a pathogenic variant. This variant has not been reported in the literature in individuals affected with MYH7B-related conditions. ClinVar contains an entry for this variant (Variation ID: 2889363). Invitae Evidence Modeling of protein sequence and biophysical properties (such as structural, functional, and spatial information, amino acid conservation, physicochemical variation, residue mobility, and thermodynamic stability) indicates that this missense variant is expected to disrupt MYH7B protein function with a positive predictive value of 80%. In summary, the available evidence is currently insufficient to determine the role of this variant in disease. Therefore, it has been classified as a Variant of Uncertain Significance.

NM_020884.7(MYH7B):c.3160G>C (p.Asp1054His)

Gene: MYH7B (myosin heavy chain 7B; plus strand). Cytogenetic location: 20q11.22.
Variant type: single nucleotide variant.
Coding change: c.3160G>C on transcript NM_020884.7 (MANE Select); coding-DNA position 3160, G replaced by C.
Protein change: p.Asp1054His; replaces aspartic acid 1054 with histidine.
Molecular consequence: missense variant.
Genome position (GRCh38, 1-based): chr20:34,996,652, G>C. VCF-style: chr20-34996652-G-C. GRCh37 (hg19) VCF-style: chr20-33584455-G-C.
Other names: short protein forms D1054H.
Identifiers: ClinVar variation 2889363 (VCV002889363.3), dbSNP rs767204775, ClinGen allele CA9827654.